The following is an entry in ClinVar:

ClinVar aggregate classification (germline): Benign. Review status: criteria provided, single submitter (1 of 4 stars). 2 submissions from 2 submitters: Benign (1). 1 of the submissions does not count toward it. Last evaluated 2022-03-09.

Conditions:
Inborn genetic diseases. Identifiers: MedGen C0950123, MeSH D030342.
SPEN-related disorder. Also called: SPEN-related condition.

Allele frequency attached by ClinVar (database versions not stated): gnomAD exomes 0.00010; ExAC 0.00020; 1000 Genomes Project 0.00040; 1000 Genomes Project 30x 0.00047; gnomAD 0.00080; TOPMed 0.00099; ESP Exome Variant Server 0.00108.
gnomAD v4.1: 265 of 1,613,718 alleles (0.016%); highest among the groups gnomAD compares: African/African-American, 0.33%; no homozygotes.

Submissions (2):

Ambry Genetics
Classification: Benign for Inborn genetic diseases. Last evaluated: 2022-03-09. Review status: criteria provided, single submitter. Criteria: Ambry Variant Classification Scheme 2023. Collection method: clinical testing. Allele origin: germline.

PreventionGenetics, part of Exact Sciences
Classification: Likely benign for SPEN-related condition. Last evaluated: 2023-01-13. Review status: no assertion criteria provided. Collection method: clinical testing. Allele origin: germline. Not counted in ClinVar's aggregate classification.
Comment: This variant is classified as likely benign based on ACMG/AMP sequence variant interpretation guidelines (Richards et al. 2015 PMID: 25741868, with internal and published modifications).

NM_015001.3(SPEN):c.9619A>T (p.Ser3207Cys)

Gene: SPEN (spen family transcriptional repressor; plus strand). Cytogenetic location: 1p36.13.
Variant type: single nucleotide variant.
Coding change: c.9619A>T on transcript NM_015001.3 (MANE Select); coding-DNA position 9619, A replaced by T.
Protein change: p.Ser3207Cys; replaces serine 3207 with cysteine.
Molecular consequence: missense variant.
Genome position (GRCh38, 1-based): chr1:15,935,859, A>T. VCF-style: chr1-15935859-A-T. GRCh37 (hg19) VCF-style: chr1-16262354-A-T.
Other names: short protein forms S3207C.
Identifiers: ClinVar variation 2215780 (VCV002215780.4), dbSNP rs150045730, ClinGen allele CA620517.